The following is an entry in ClinVar:

ClinVar aggregate classification (germline): Pathogenic (1 of 4 stars; one submission).

Conditions:
Hereditary cancer-predisposing syndrome. Also called: Neoplastic Syndromes, Hereditary; Tumor predisposition; Hereditary Cancer Syndrome; Hereditary neoplastic syndrome. Identifiers: Orphanet 140162, MedGen C0027672, MeSH D009386, MONDO:0015356.

Submission:

Ambry Genetics
Classification: Pathogenic for Hereditary cancer-predisposing syndrome. Last evaluated: 2022-04-16. Review status: criteria provided, single submitter. Criteria: Ambry Variant Classification Scheme 2023. Collection method: clinical testing. Allele origin: germline.
Comment: The c.3920_3921delTA pathogenic mutation, located in coding exon 15 of the APC gene, results from a deletion of two nucleotides at nucleotide positions 3920 to 3921, causing a translational frameshift with a predicted alternate stop codon (p.I1307Kfs*7). This alteration occurs at the 3' terminus of theAPC gene, is not expected to trigger nonsense-mediated mRNA decay, and impacts the last 1537 amino acids of the protein. However, premature stop codons are typically deleterious in nature and the impacted region is critical for protein function (Ambry internal data). This alteration has been observed in at least one individual with a personal and/or family history that is consistent with APC-related disease (Ambry internal data). Additionally, other truncating alterations downstream have been observed in individuals with a personal and/or family history that is consistent with APC-related disease (Ambry internal data). This variant is considered to be rare based on population cohorts in the Genome Aggregation Database (gnomAD). Based on the supporting evidence, this alteration is interpreted as a disease-causing mutation.

NM_000038.6(APC):c.3920_3921del (p.Ile1307fs)

Gene: APC (APC regulator of Wnt signaling pathway; plus strand). Cytogenetic location: 5q22.2.
Variant type: Deletion.
Coding change: c.3920_3921del on transcript NM_000038.6 (MANE Select); coding-DNA positions 3920 to 3921, 2 bases deleted (TA; older notation c.3920_3921delTA).
Protein change: p.Ile1307fs; shifts the reading frame from isoleucine 1307.
Molecular consequence: frameshift variant.
Genome position (GRCh38, 1-based): chr5:112,839,514-112,839,515, TA deleted; deleting any 2 consecutive bases within chr5:112,839,513-112,839,515 gives the same sequence; the c. name uses the placement nearest the transcript's 3' end. VCF-style (leftmost placement, unchanged base first): chr5-112839512-AAT-A. GRCh37 (hg19) VCF-style: chr5-112175209-AAT-A.
Other names: c.3920_3921del, p.Ile1307fs (NM_001127510.3, NM_001354895.2); c.3866_3867del, p.Ile1289fs (NM_001127511.3); c.3974_3975del, p.Ile1325fs (NM_001354896.2); c.3950_3951del, p.Ile1317fs (NM_001354897.2); c.3845_3846del, p.Ile1282fs (NM_001354898.2); c.3836_3837del, p.Ile1279fs (NM_001354899.2); c.3797_3798del, p.Ile1266fs (NM_001354900.2); c.3743_3744del, p.Ile1248fs (NM_001354901.2); and 16 more; short protein forms I1147fs, I1282fs, I1024fs, I1181fs, I1206fs, I1289fs, I1307fs, I1325fs.
Identifiers: ClinVar variation 1736195 (VCV001736195.2), dbSNP rs2533534485, ClinGen allele CA645543650.